The following is an entry in ClinVar:

NM_130837.3(OPA1):c.2320G>C (p.Glu774Gln)

Gene: OPA1 (OPA1 mitochondrial dynamin like GTPase; plus strand). Cytogenetic location: 3q29.
Variant type: single nucleotide variant.
Coding change: c.2320G>C on transcript NM_130837.3 (MANE Select); coding-DNA position 2320, G replaced by C.
Protein change: p.Glu774Gln; replaces glutamic acid 774 with glutamine.
Molecular consequence: missense variant.
Genome position (GRCh38, 1-based): chr3:193,657,221, G>C. VCF-style: chr3-193657221-G-C. GRCh37 (hg19) VCF-style: chr3-193375010-G-C.
Other names: c.1786G>C, p.Glu596Gln (NM_001354663.2); c.1783G>C, p.Glu595Gln (NM_001354664.2); c.2155G>C, p.Glu719Gln (NM_015560.3); c.2047G>C, p.Glu683Gln (NM_130831.3); c.2101G>C, p.Glu701Gln (NM_130832.3); c.2158G>C, p.Glu720Gln (NM_130833.3); c.2209G>C, p.Glu737Gln (NM_130834.3); c.2212G>C, p.Glu738Gln (NM_130835.3); and 1 more; short protein forms E596Q, E701Q, E720Q, E738Q, E756Q, E595Q, E683Q, E737Q.
Identifiers: ClinVar variation 2083511 (VCV002083511.4), dbSNP rs2475052030, ClinGen allele CA355791685.
Genomic context (GRCh38, chr3:193,657,221, plus strand): 5'-AAACTTAAAGAGGCTGTTAAGGAAGAAAGTATTAAACGACACAAGTGGAATGACTTTGCG[G>C]AGGACAGCTTGGTATGTTGTTTGTATACTGGGGTATCAGCCTCATATTTTTATATAACTT-3'
Protein context (NP_570850.2, residues 764-784): IKRHKWNDFA[Glu774Gln]DSLRVIQHNA

ClinVar aggregate classification (germline): Uncertain significance (1 of 4 stars; one submission).

Submission:

Labcorp Genetics (formerly Invitae), Labcorp
Classification: Uncertain significance. Last evaluated: 2022-09-28. Review status: criteria provided, single submitter. Criteria: Invitae Variant Classification Sherloc (09022015). Collection method: clinical testing. Allele origin: germline.
Comment: Advanced modeling of protein sequence and biophysical properties (such as structural, functional, and spatial information, amino acid conservation, physicochemical variation, residue mobility, and thermodynamic stability) performed at Invitae indicates that this missense variant is not expected to disrupt OPA1 protein function. In summary, the available evidence is currently insufficient to determine the role of this variant in disease. Therefore, it has been classified as a Variant of Uncertain Significance. This variant has not been reported in the literature in individuals affected with OPA1-related conditions. This variant is not present in population databases (gnomAD no frequency). This sequence change replaces glutamic acid, which is acidic and polar, with glutamine, which is neutral and polar, at codon 719 of the OPA1 protein (p.Glu719Gln).